The following is an entry in ClinVar:

NM_017565.4(FAM20A):c.379C>T (p.Arg127Trp)

Gene: FAM20A (FAM20A golgi associated secretory pathway pseudokinase; minus strand). Cytogenetic location: 17q24.2.
Variant type: single nucleotide variant.
Coding change: c.379C>T on transcript NM_017565.4 (MANE Select); coding-DNA position 379, C replaced by T.
Protein change: p.Arg127Trp; replaces arginine 127 with tryptophan.
Molecular consequence: missense variant. On other transcripts: 5 prime UTR variant (1).
Genome position (GRCh38, 1-based): chr17:68,600,288, G>A on the plus strand (C>T on the coding strand, the complement: FAM20A is on the minus strand). VCF-style: chr17-68600288-G-A. GRCh37 (hg19) VCF-style: chr17-66596429-G-A.
Other names: c.-262C>T (NM_001243746.2); short protein forms R127W.
Identifiers: ClinVar variation 4281744 (VCV004281744.1).

ClinVar aggregate classification (germline): Uncertain significance (1 of 4 stars; one submission).

Submission:

GeneDx
Classification: Uncertain significance. Last evaluated: 2025-04-08. Review status: criteria provided, single submitter. Criteria: GeneDx Variant Classification Process June 2021. Collection method: clinical testing. Allele origin: germline. Affected: yes.
Comment: In silico analysis supports that this missense variant has a deleterious effect on protein structure/function; Has not been previously published as pathogenic or benign to our knowledge